The following is an entry in ClinVar:

ClinVar aggregate classification (germline): Likely benign (1 of 4 stars; one submission).

Allele frequency attached by ClinVar (database versions not stated): 1000 Genomes Project 30x 0.00109; 1000 Genomes Project 0.00120; TOPMed 0.00230; ExAC 0.00269; ESP Exome Variant Server 0.00301; gnomAD 0.00314.
gnomAD v4.1: 4,122 of 1,613,650 alleles (0.26%); highest among the groups gnomAD compares: Admixed American, 0.3%; 10 homozygotes.

Submission:

CeGaT Center for Human Genetics Tuebingen
Classification: Likely benign. Last evaluated: 2023-03-01. Review status: criteria provided, single submitter. Criteria: CeGaT Center For Human Genetics Tuebingen Variant Classification Criteria Version 2. Collection method: clinical testing. Allele origin: germline. Affected: yes. Observed: 2 variant alleles.
Comment: MROH7: BP4, BP7

NM_001039464.4(MROH7):c.1191C>T (p.Pro397=)

Genes: MROH7 (maestro heat like repeat family member 7; plus strand), MROH7-TTC4 (MROH7-TTC4 readthrough (NMD candidate); plus strand). Cytogenetic location: 1p32.3.
Variant type: single nucleotide variant.
Coding change: c.1191C>T on transcript NM_001039464.4 (MANE Select); coding-DNA position 1191, C replaced by T.
Protein change: p.Pro397=; no amino-acid change (proline 397 retained).
Molecular consequence: synonymous variant. On other transcripts: non-coding transcript variant (5), intron variant (1).
Genome position (GRCh38, 1-based): chr1:54,654,117, C>T. VCF-style: chr1-54654117-C-T. GRCh37 (hg19) VCF-style: chr1-55119790-C-T.
Other names: c.-213-11050C>T (NM_001291332.2).
Identifiers: ClinVar variation 2638832 (VCV002638832.24), dbSNP rs143941239, ClinGen allele CA867710.